The following is an entry in ClinVar:

ClinVar aggregate classification (germline): Uncertain significance (1 of 4 stars; one submission).

Conditions:
Frontometaphyseal dysplasia (FMD1). Identifiers: Orphanet 1826, MedGen C0265293, MONDO:0015942.
Heterotopia, periventricular, X-linked dominant (PVNH1). Also called: PERIVENTRICULAR NODULAR HETEROTOPIA 1; X-linked periventricular heterotopia; PERIVENTRICULAR NODULAR HETEROTOPIA 4; HETEROTOPIA, PERIVENTRICULAR, 1. Identifiers: Orphanet 2149, Orphanet 82004, MedGen C1848213, MONDO:0010233, OMIM 300049.
Melnick-Needles syndrome (MNS). Also called: MELNICK-NEEDLES OSTEODYSPLASTY; OSTEODYSPLASTY OF MELNICK AND NEEDLES; Melnick-Needles Syndrome (FLNA-MNS). Identifiers: Orphanet 2484, MedGen C0025237, MONDO:0010650, OMIM 309350.
Oto-palato-digital syndrome, type II (OPD2). Also called: OPD II SYNDROME; FACIOPALATOOSSEOUS SYNDROME; Otopalatodigital Syndrome Type 2 (FLNA-OPD2); Otopalatodigital Syndrome, Type II. Identifiers: Orphanet 669, Orphanet 90652, MedGen C1844696, MONDO:0010571, OMIM 304120.

Allele frequency attached by ClinVar (database versions not stated): gnomAD exomes below 0.00001.
gnomAD v4.1: 2 of 1,211,463 alleles (0.00017%); highest among the groups gnomAD compares: South Asian, 0.0018%; no homozygotes.

Submission:

Labcorp Genetics (formerly Invitae), Labcorp
Classification: Uncertain significance for Oto-palato-digital syndrome, type II; Heterotopia, periventricular, X-linked dominant; Frontometaphyseal dysplasia; Melnick-Needles syndrome. Last evaluated: 2023-11-10. Review status: criteria provided, single submitter. Criteria: Invitae Variant Classification Sherloc (09022015). Collection method: clinical testing. Allele origin: germline.
Comment: This sequence change replaces asparagine, which is neutral and polar, with serine, which is neutral and polar, at codon 1374 of the FLNA protein (p.Asn1374Ser). This variant is not present in population databases (gnomAD no frequency). This variant has not been reported in the literature in individuals affected with FLNA-related conditions. ClinVar contains an entry for this variant (Variation ID: 947621). Advanced modeling of protein sequence and biophysical properties (such as structural, functional, and spatial information, amino acid conservation, physicochemical variation, residue mobility, and thermodynamic stability) performed at Invitae indicates that this missense variant is not expected to disrupt FLNA protein function with a negative predictive value of 95%. In summary, the available evidence is currently insufficient to determine the role of this variant in disease. Therefore, it has been classified as a Variant of Uncertain Significance.

NM_001110556.2(FLNA):c.4121A>G (p.Asn1374Ser)

Gene: FLNA (filamin A; minus strand). Cytogenetic location: Xq28.
Variant type: single nucleotide variant.
Coding change: c.4121A>G on transcript NM_001110556.2 (MANE Select); coding-DNA position 4121, A replaced by G.
Protein change: p.Asn1374Ser; replaces asparagine 1374 with serine.
Molecular consequence: missense variant.
Genome position (GRCh38, 1-based): chrX:154,359,505, T>C on the plus strand (A>G on the coding strand, the complement: FLNA is on the minus strand). VCF-style: chrX-154359505-T-C. GRCh37 (hg19) VCF-style: chrX-153587873-T-C.
Other names: c.4121A>G, p.Asn1374Ser (NM_001456.4); short protein forms N1374S.
Identifiers: ClinVar variation 947621 (VCV000947621.10), dbSNP rs2067687994, ClinGen allele CA415219398.